The following is an entry in ClinVar:

ClinVar aggregate classification (germline): Pathogenic/Likely pathogenic. Review status: criteria provided, multiple submitters, no conflicts (2 of 4 stars). 3 submissions from 3 submitters: Pathogenic (2); Likely pathogenic (1). Last evaluated 2024-06-17.

Conditions:
Autosomal dominant nonsyndromic hearing loss 11. Identifiers: Orphanet 90635, MedGen C1832475, MONDO:0011032, OMIM 601317.
Usher syndrome type 1 (USH1). Also called: RETINITIS PIGMENTOSA AND CONGENITAL DEAFNESS. Identifiers: Orphanet 231169, Orphanet 886, MedGen C1568247, MONDO:0010168, OMIM 276900.
Autosomal recessive nonsyndromic hearing loss 2. Also called: DEAFNESS, AUTOSOMAL RECESSIVE 2; NEUROSENSORY NONSYNDROMIC RECESSIVE DEAFNESS 2. Identifiers: Orphanet 90636, MedGen C1838701, MONDO:0010807, OMIM 600060.

Submissions (3):

Fulgent Genetics
Classification: Likely pathogenic for Usher syndrome type 1; Autosomal recessive nonsyndromic hearing loss 2; Autosomal dominant nonsyndromic hearing loss 11. Last evaluated: 2024-06-17. Review status: criteria provided, single submitter. Criteria: ACMG Guidelines, 2015. Collection method: clinical testing. Allele origin: germline.

Myriad Genetics, Inc.
Classification: Pathogenic for Usher syndrome type 1. Last evaluated: 2024-01-14. Review status: criteria provided, single submitter. Criteria: Myriad Autosomal Dominant, Autosomal Recessive and X-Linked Classification Criteria (2023). Collection method: clinical testing. Allele origin: unknown.
Comment: NM_000260.3(MYO7A):c.846dupC(M283Hfs*3) is expected to be pathogenic in the context of MYO7A-related disorders. This variant is predicted to lead to an abnormal or absent protein product due to the creation of a premature termination codon in MYO7A, a gene where loss-of-function variants are known to be pathogenic. Please note: this variant was assessed in the context of healthy population screening.

Labcorp Genetics (formerly Invitae), Labcorp
Classification: Pathogenic. Last evaluated: 2023-08-07. Review status: criteria provided, single submitter. Criteria: Invitae Variant Classification Sherloc (09022015). Collection method: clinical testing. Allele origin: germline.
Comment: This sequence change creates a premature translational stop signal (p.Met283Hisfs*3) in the MYO7A gene. It is expected to result in an absent or disrupted protein product. Loss-of-function variants in MYO7A are known to be pathogenic (PMID: 8900236, 25404053). This variant is not present in population databases (gnomAD no frequency). This variant has not been reported in the literature in individuals affected with MYO7A-related conditions. For these reasons, this variant has been classified as Pathogenic.

Literature cited by the submitters: PubMed 8900236 (cited by Labcorp Genetics (formerly Invitae), Labcorp); PubMed 25404053 (cited by Labcorp Genetics (formerly Invitae), Labcorp).

NM_000260.4(MYO7A):c.846dup (p.Met283fs)

Gene: MYO7A (myosin VIIA; plus strand). Cytogenetic location: 11q13.5.
Variant type: Duplication.
Coding change: c.846dup on transcript NM_000260.4 (MANE Select); coding-DNA position 846, one base duplicated (C; older notation c.846dupC).
Protein change: p.Met283fs; shifts the reading frame from methionine 283.
Molecular consequence: frameshift variant.
Genome position (GRCh38, 1-based): chr11:77,157,389, C duplicated; the last of 2 consecutive C bases (chr11:77,157,388-77,157,389); duplicating either gives the same sequence. VCF-style (leftmost placement, unchanged base first): chr11-77157387-G-GC. GRCh37 (hg19) VCF-style: chr11-76868433-G-GC.
Other names: c.846dup, p.Met283fs (NM_001127180.2); c.813dup, p.Met272fs (NM_001369365.1); short protein forms M272fs, M283fs.
Identifiers: ClinVar variation 3004900 (VCV003004900.5), dbSNP rs1952586315, ClinGen allele CA939764960.